The following is an entry in ClinVar:

ClinVar aggregate classification (germline): Uncertain significance (1 of 4 stars; one submission).

Conditions:
Neurodevelopmental disorder with or without early-onset generalized epilepsy. Identifiers: MedGen C5436914, MONDO:0030930, OMIM 619157.

Submission:

Victorian Clinical Genetics Services, Murdoch Childrens Research Institute
Classification: Uncertain significance for Neurodevelopmental disorder with or without early-onset generalized epilepsy. Last evaluated: 2025-08-24. Review status: criteria provided, single submitter. Criteria: ACMG Guidelines, 2015. Collection method: clinical testing. Allele origin: germline. Affected: yes.
Comment: This variant is classified as VUS-3C. Evidence in support of pathogenic classification: Variant is absent from gnomAD (v2, v3 and v4). Additional information: Variant is predicted to result in a missense amino acid change from leucine to phenylalanine; This variant is heterozygous; This gene is associated with autosomal dominant disease; This variant has no previous evidence of pathogenicity; No published segregation evidence has been identified for this variant; No published functional evidence has been identified for this variant; No comparable missense variants have previous evidence for pathogenicity; Variant is located in the annotated concanavalin A-like lectin/glucanases superfamily domain (DECIPHER); Missense variant with inconclusive in silico prediction and uninformative conservation; Loss of function is a known mechanism of disease in this gene and is associated with neurodevelopmental disorder with or without early-onset generalised epilepsy (MIM#619157).

NM_001385012.1(NBEA):c.838C>T (p.Leu280Phe)

Gene: NBEA (neurobeachin; plus strand). Cytogenetic location: 13q13.3.
Variant type: single nucleotide variant.
Coding change: c.838C>T on transcript NM_001385012.1 (MANE Select); coding-DNA position 838, C replaced by T.
Protein change: p.Leu280Phe; replaces leucine 280 with phenylalanine.
Molecular consequence: missense variant.
Genome position (GRCh38, 1-based): chr13:35,048,677, C>T. VCF-style: chr13-35048677-C-T. GRCh37 (hg19) VCF-style: chr13-35622814-C-T.
Other names: c.838C>T, p.Leu280Phe (NM_001379245.1, NM_015678.5); short protein forms L280F.
Identifiers: ClinVar variation 4531452 (VCV004531452.1).
Genomic context (GRCh38, chr13:35,048,677, plus strand): 5'-AACACTTGGTTTCGTATGGATCCATTAAATAATATTAATGTTGATAAGGATAAACCTTAT[C>T]TTTATTGGTAAGTAATATGTTTAATTTTAGTACTTTTTTCTTTAAGTACTTGAATTCTAT-3'
Protein context (NP_001371941.1, residues 270-290): NINVDKDKPY[Leu280Phe]YCFRTSKGVG